The following is an entry in ClinVar:

ClinVar aggregate classification (germline): Conflicting classifications of pathogenicity. Review status: criteria provided, conflicting classifications (1 of 4 stars). 3 submissions from 3 submitters: Likely pathogenic (2); Uncertain significance (1). Last evaluated 2026-09-23.

Conditions:
Inborn genetic diseases. Identifiers: MedGen C0950123, MeSH D030342.

Allele frequency attached by ClinVar (database versions not stated): gnomAD exomes 0.00004.
gnomAD v4.1: 49 of 1,448,188 alleles (0.0034%); highest among the groups gnomAD compares: Non-Finnish European, 0.0043%; no homozygotes.

Submissions (3):

GeneDx
Classification: Likely pathogenic. Last evaluated: 2026-09-23. Review status: criteria provided, single submitter. Criteria: GeneDx Variant Classification Process June 2021. Collection method: clinical testing. Allele origin: germline.
Comment: Reported with a second in RMND1 variant in a patient with mitochondrial disease and decreased complex I and IV activities (PMID: 34056100); Not observed at significant frequency in large population cohorts (gnomAD); In silico analysis supports a deleterious effect on splicing; This variant is associated with the following publications: (PMID: 34056100, 42696017)

Ambry Genetics
Classification: Likely pathogenic for Inborn genetic diseases. Last evaluated: 2024-05-09. Review status: criteria provided, single submitter. Criteria: Ambry Variant Classification Scheme 2023. Collection method: clinical testing. Allele origin: germline.
Comment: The c.1002+3A>C intronic alteration results from a A to C substitution 3 nucleotides after coding exon 7 in the RMND1 gene. This variant was not reported in population-based cohorts in the Genome Aggregation Database (gnomAD). This nucleotide position is well conserved in available vertebrate species. RNA studies have demonstrated that this alteration results in abnormal splicing in the set of samples tested (Ambry internal data). In silico splice site analysis predicts that this alteration will weaken the native splice donor site. Based on the available evidence, this alteration is classified as likely pathogenic.

CeGaT Center for Human Genetics Tuebingen
Classification: Uncertain significance. Last evaluated: 2023-10-01. Review status: criteria provided, single submitter. Criteria: CeGaT Center For Human Genetics Tuebingen Variant Classification Criteria Version 2. Collection method: clinical testing. Allele origin: germline. Affected: yes. Observed: 1 variant allele.
Comment: RMND1: PM2, PP3

NM_017909.4(RMND1):c.1002+3A>C

Gene: RMND1 (required for meiotic nuclear division 1 homolog; minus strand). Cytogenetic location: 6q25.1.
Variant type: single nucleotide variant.
Coding change: c.1002+3A>C on transcript NM_017909.4 (MANE Select); 3 bases into the intron after coding-DNA position 1002, A replaced by C.
Molecular consequence: intron variant.
Genome position (GRCh38, 1-based): chr6:151,422,538, T>G on the plus strand (A>C on the coding strand, the complement: RMND1 is on the minus strand). VCF-style: chr6-151422538-T-G. GRCh37 (hg19) VCF-style: chr6-151743673-T-G.
Other names: c.492+3A>C (NM_001271937.2); c.1002+3A>C (NM_017909.2).
Identifiers: ClinVar variation 1310501 (VCV001310501.29), dbSNP rs974708373, ClinGen allele CA150108351.